The following is an entry in ClinVar:

NM_025114.4(CEP290):c.6443dup (p.Asn2148fs)

Gene: CEP290 (centrosomal protein 290; minus strand). Cytogenetic location: 12q21.32.
Variant type: Duplication.
Coding change: c.6443dup on transcript NM_025114.4 (MANE Select); coding-DNA position 6443, one base duplicated (A; older notation c.6443dupA).
Protein change: p.Asn2148fs; shifts the reading frame from asparagine 2148.
Molecular consequence: frameshift variant.
Genome position (GRCh38, 1-based): chr12:88,060,909, T duplicated on the plus strand (A on the coding strand, the reverse complement: CEP290 is on the minus strand); the first of 4 consecutive T bases (chr12:88,060,909-88,060,912); duplicating any one gives the same sequence. VCF-style (leftmost placement, unchanged base first): chr12-88060908-A-AT. GRCh37 (hg19) VCF-style: chr12-88454685-A-AT.
Other names: short protein forms N2148fs.
Identifiers: ClinVar variation 4816233 (VCV004816233.2).

ClinVar aggregate classification (germline): Pathogenic/Likely pathogenic. Review status: criteria provided, multiple submitters, no conflicts (2 of 4 stars). 2 submissions from 2 submitters: Pathogenic (1); Likely pathogenic (1). Last evaluated 2026-04-29.

Conditions:
Leber congenital amaurosis (LCA). Also called: Leber's amaurosis. Identifiers: Orphanet 65, MedGen C0339527, MeSH D057130, MONDO:0018998.
CEP290-related ciliopathy. Also called: CEP290 ciliopathy. Identifiers: MedGen CN305601, MONDO:0100451.

Submissions (2):

Myriad Genetics, Inc.
Classification: Pathogenic for CEP290-related ciliopathy. Last evaluated: 2026-04-29. Review status: criteria provided, single submitter. Criteria: Myriad Autosomal Dominant, Autosomal Recessive and X-Linked Classification Criteria (2023). Collection method: clinical testing. Allele origin: unknown.
Comment: NM_025114.3(CEP290):c.6443dupA(N2148Kfs*2) is expected to be pathogenic in the context of CEP290-related disorders. This variant is predicted to lead to an abnormal or absent protein product due to the creation of a premature termination codon in CEP290, a gene where loss-of-function variants are known to be pathogenic. Please note: this variant was assessed in the context of healthy population screening.

Natera, Inc.
Classification: Likely pathogenic for Leber congenital amaurosis. Last evaluated: 2024-06-06. Review status: criteria provided, single submitter. Criteria: Natera Variant Classification Schema (03/2026). Collection method: clinical testing. Allele origin: germline.
Comment: The c.6443dup variant in CEP290 is a frameshift variant predicted to shift the reading frame beginning at codon 2148 and leads to a stop codon 2 codons downstream. This variant is expected to result in nonsense mediated decay, truncation, or a dysfunctional protein product. This variant is rare in the general population with a frequency below the threshold expected for the associated phenotype(s). Given the available evidence, this variant is classified as Likely Pathogenic.